The following is an entry in ClinVar:

ClinVar aggregate classification (germline): Benign (1 of 4 stars; one submission).

Conditions:
Lathosterolosis. Also called: SC5D DEFICIENCY; STEROL C5-DESATURASE DEFICIENCY. Identifiers: Orphanet 46059, MedGen C1846421, MONDO:0011816, OMIM 607330.

Allele frequency attached by ClinVar (database versions not stated): gnomAD 0.00064 and 0.00097; TOPMed 0.00102; 1000 Genomes Project 0.00619; 1000 Genomes Project 30x 0.00765.
gnomAD v4.1: 146 of 152,338 alleles (0.096%); highest among the groups gnomAD compares: East Asian, 2.4%; 2 homozygotes.

Submission:

Illumina Laboratory Services, Illumina
Classification: Benign for Lathosterolosis. Last evaluated: 2018-01-13. Review status: criteria provided, single submitter. Criteria: ICSL Variant Classification Criteria 13 December 2019. Collection method: clinical testing. Allele origin: germline.
Comment: This variant was observed in the ICSL laboratory as part of a predisposition screen in an ostensibly healthy population. It had not been previously curated by ICSL or reported in the Human Gene Mutation Database (HGMD: prior to June 1st, 2018), and was therefore a candidate for classification through an automated scoring system. Utilizing variant allele frequency, disease prevalence and penetrance estimates, and inheritance mode, an automated score was calculated to assess if this variant is too frequent to cause the disease. Based on the score and internal cut-off values, a variant classified as benign is not then subjected to further curation. The score for this variant resulted in a classification of benign for this disease.

NM_006918.5(SC5D):c.*3472A>G

Gene: SC5D (sterol-C5-desaturase; plus strand). Cytogenetic location: 11q24.1.
Variant type: single nucleotide variant.
Coding change: c.*3472A>G on transcript NM_006918.5 (MANE Select); 3472 bases downstream of the stop codon, A replaced by G.
Molecular consequence: 3 prime UTR variant.
Genome position (GRCh38, 1-based): chr11:121,310,984, A>G. VCF-style: chr11-121310984-A-G. GRCh37 (hg19) VCF-style: chr11-121181693-A-G.
Other names: c.*3472A>G (NM_001024956.3).
Identifiers: ClinVar variation 303097 (VCV000303097.5), dbSNP rs138274984, ClinGen allele CA10633847.